The following is an entry in ClinVar:

ClinVar aggregate classification (germline): Pathogenic (1 of 4 stars; one submission).

Conditions:
Familial focal epilepsy with variable foci (FPEVF). Identifiers: Orphanet 98820, MedGen C1858477, MONDO:0020310.

Allele frequency attached by ClinVar (database versions not stated): ExAC 0.00001; ESP Exome Variant Server 0.00008.

Submission:

Labcorp Genetics (formerly Invitae), Labcorp
Classification: Pathogenic for Familial focal epilepsy with variable foci. Last evaluated: 2025-10-02. Review status: criteria provided, single submitter. Criteria: Invitae Variant Classification Sherloc (09022015). Collection method: clinical testing. Allele origin: germline.
Comment: This sequence change creates a premature translational stop signal (p.Gln63*) in the DEPDC5 gene. It is expected to result in an absent or disrupted protein product. Loss-of-function variants in DEPDC5 are known to be pathogenic (PMID: 23542697, 23542701). This variant is not present in population databases (gnomAD no frequency). This variant has not been reported in the literature in individuals affected with DEPDC5-related conditions. ClinVar contains an entry for this variant (Variation ID: 1364490). For these reasons, this variant has been classified as Pathogenic.

Literature cited by the submitters: PubMed 23542697; PubMed 23542701.

NM_001242896.3(DEPDC5):c.187C>T (p.Gln63Ter)

Gene: DEPDC5 (DEP domain containing 5, GATOR1 subcomplex subunit; plus strand). Cytogenetic location: 22q12.2.
Variant type: single nucleotide variant.
Coding change: c.187C>T on transcript NM_001242896.3 (MANE Select); coding-DNA position 187, C replaced by T.
Protein change: p.Gln63Ter; replaces glutamine 63 with a stop codon.
Molecular consequence: nonsense. On other transcripts: non-coding transcript variant (5).
Genome position (GRCh38, 1-based): chr22:31,760,696, C>T. VCF-style: chr22-31760696-C-T. GRCh37 (hg19) VCF-style: chr22-32156682-C-T.
Other names: c.187C>T, p.Gln63Ter (NM_001007188.4, NM_001136029.4, NM_001242897.2 and 9 more transcripts); short protein forms Q63*.
Identifiers: ClinVar variation 1364490 (VCV001364490.6), dbSNP rs372718805, ClinGen allele CA10195858.